The following is an entry in ClinVar:

NM_004977.3(KCNC3):c.1691C>G (p.Pro564Arg)

Gene: KCNC3 (potassium voltage-gated channel subfamily C member 3; minus strand). Cytogenetic location: 19q13.33.
Variant type: single nucleotide variant.
Coding change: c.1691C>G on transcript NM_004977.3 (MANE Select); coding-DNA position 1691, C replaced by G.
Protein change: p.Pro564Arg; replaces proline 564 with arginine.
Molecular consequence: missense variant.
Genome position (GRCh38, 1-based): chr19:50,323,262, G>C on the plus strand (C>G on the coding strand, the complement: KCNC3 is on the minus strand). VCF-style: chr19-50323262-G-C. GRCh37 (hg19) VCF-style: chr19-50826519-G-C.
Other names: c.1463C>G, p.Pro488Arg (NM_001372305.1); short protein forms P488R, P564R.
Identifiers: ClinVar variation 1416012 (VCV001416012.6), dbSNP rs779578498, ClinGen allele CA9594194.

ClinVar aggregate classification (germline): Uncertain significance (1 of 4 stars; one submission).

Allele frequency attached by ClinVar (database versions not stated): gnomAD exomes 0.00001 and 0.00002; ExAC 0.00004.
gnomAD v4.1: 9 of 1,605,168 alleles (0.00056%); highest among the groups gnomAD compares: South Asian, 0.0099%; 1 homozygote.

Submission:

Labcorp Genetics (formerly Invitae), Labcorp
Classification: Uncertain significance. Last evaluated: 2022-06-20. Review status: criteria provided, single submitter. Criteria: Invitae Variant Classification Sherloc (09022015). Collection method: clinical testing. Allele origin: germline.
Comment: Advanced modeling of protein sequence and biophysical properties (such as structural, functional, and spatial information, amino acid conservation, physicochemical variation, residue mobility, and thermodynamic stability) performed at Invitae indicates that this missense variant is expected to disrupt KCNC3 protein function. In summary, the available evidence is currently insufficient to determine the role of this variant in disease. Therefore, it has been classified as a Variant of Uncertain Significance. This variant has not been reported in the literature in individuals affected with KCNC3-related conditions. This variant is present in population databases (rs779578498, gnomAD 0.007%). This sequence change replaces proline, which is neutral and non-polar, with arginine, which is basic and polar, at codon 564 of the KCNC3 protein (p.Pro564Arg).